The following is an entry in ClinVar:

ClinVar aggregate classification (germline): Uncertain significance (1 of 4 stars; one submission).

Conditions:
Hereditary pancreatitis (PCTT). Also called: Hereditary chronic pancreatitis; PRSS1-Related Hereditary Pancreatitis. Identifiers: Orphanet 676, MedGen C0238339, MONDO:0008185, OMIM 167800.

Submission:

Ambry Genetics
Classification: Uncertain significance for Hereditary pancreatitis. Last evaluated: 2022-02-26. Review status: criteria provided, single submitter. Criteria: Ambry Variant Classification Scheme 2023. Collection method: clinical testing. Allele origin: germline.
Comment: The p.L91P variant (also known as c.272T>C), located in coding exon 4 of the CTRC gene, results from a T to C substitution at nucleotide position 272. The leucine at codon 91 is replaced by proline, an amino acid with similar properties. This amino acid position is conserved. In addition, this alteration is predicted to be deleterious by in silico analysis. Since supporting evidence is limited at this time, the clinical significance of this alteration remains unclear.

NM_007272.3(CTRC):c.272T>C (p.Leu91Pro)

Gene: CTRC (chymotrypsin C; plus strand). Cytogenetic location: 1p36.21.
Variant type: single nucleotide variant.
Coding change: c.272T>C on transcript NM_007272.3 (MANE Select); coding-DNA position 272, T replaced by C.
Protein change: p.Leu91Pro; replaces leucine 91 with proline.
Molecular consequence: missense variant.
Genome position (GRCh38, 1-based): chr1:15,442,488, T>C. VCF-style: chr1-15442488-T-C. GRCh37 (hg19) VCF-style: chr1-15768984-T-C.
Other names: short protein forms L91P.
Identifiers: ClinVar variation 1795284 (VCV001795284.2), dbSNP rs2526294402, ClinGen allele CA338565407.
Genomic context (GRCh38, chr1:15,442,488, plus strand): 5'-GACCCCTTCCTCTGCCCAGCAACACCCGGACCTACCGTGTGGCCGTGGGAAAGAACAACC[T>C]GGAGGTGGAAGACGAAGAAGGATCCCTGTTTGTGGGTGTGGACACCATCCACGTCCACAA-3'
Protein context (NP_009203.2, residues 81-101): TYRVAVGKNN[Leu91Pro]EVEDEEGSLF